The following is an entry in ClinVar:

NM_005359.6(SMAD4):c.1540_1541delinsTT (p.Pro514Leu)

Gene: SMAD4 (SMAD family member 4; plus strand). Cytogenetic location: 18q21.2.
Variant type: Indel.
Coding change: c.1540_1541delinsTT on transcript NM_005359.6 (MANE Select); coding-DNA positions 1540 to 1541, CC replaced by TT.
Protein change: p.Pro514Leu; replaces proline 514 with leucine.
Molecular consequence: missense variant.
Genome position (GRCh38, 1-based): chr18:51,078,348-51,078,349, CC replaced by TT. VCF-style: chr18-51078348-CC-TT. GRCh37 (hg19) VCF-style: chr18-48604718-CC-TT.
Other names: c.1540_1541delCCinsTT (NM_005359.5); short protein forms P514L.
Identifiers: ClinVar variation 847904 (VCV000847904.12), dbSNP rs1910522327, ClinGen allele CA916081941.

ClinVar aggregate classification (germline): Uncertain significance. Review status: criteria provided, multiple submitters, no conflicts (2 of 4 stars). 3 submissions from 3 submitters: Uncertain significance (3). Last evaluated 2025-10-09.

Conditions:
Juvenile polyposis syndrome (JPS). Identifiers: Orphanet 2929, MedGen C0345893, MONDO:0017380, OMIM 174900.
Familial thoracic aortic aneurysm and aortic dissection (TAAD). Also called: Thoracic aortic aneurysms and dissections. Identifiers: Orphanet 91387, MedGen C4707243, MONDO:0019625.
Hereditary cancer-predisposing syndrome. Also called: Neoplastic Syndromes, Hereditary; Hereditary neoplastic syndrome; Hereditary Cancer Syndrome; Tumor predisposition. Identifiers: Orphanet 140162, MedGen C0027672, MeSH D009386, MONDO:0015356.
Juvenile polyposis/hereditary hemorrhagic telangiectasia syndrome (JPHT). Also called: JP/HHT SYNDROME; JUVENILE POLYPOSIS WITH HEREDITARY HEMORRHAGIC TELANGIECTASIA; POLYPOSIS, GENERALIZED JUVENILE, WITH PULMONARY ARTERIOVENOUS MALFORMATION; TELANGIECTASIA, HEREDITARY HEMORRHAGIC, WITH JUVENILE POLYPOSIS COLI; Juvenile Polyposis Syndrome / Hereditary Hemorrhagic Telangiectasia (JPS/HHT). Identifiers: Orphanet 2929, MedGen C1832942, MONDO:0008278, OMIM 175050.

Submissions (3):

Ambry Genetics
Classification: Uncertain significance for Hereditary cancer-predisposing syndrome; Familial thoracic aortic aneurysm and aortic dissection. Last evaluated: 2025-10-09. Review status: criteria provided, single submitter. Criteria: Ambry Variant Classification Scheme 2023. Collection method: clinical testing. Allele origin: germline.
Comment: The c.1540_1541delCCinsTT variant (also known as p.P514L), located in coding exon 11 of the SMAD4 gene, results from an in-frame deletion of CC and insertion of TT at nucleotide positions 1540 to 1541. This results in the substitution of the proline residue for a leucine residue at codon 514, an amino acid with similar properties. This amino acid position is highly conserved in available vertebrate species. In addition, this variant is predicted to be deleterious by in silico analysis (Choi Y et al. PLoS ONE. 2012; 7(10):e46688). Based on the available evidence, the clinical significance of this variant remains unclear.

Labcorp Genetics (formerly Invitae), Labcorp
Classification: Uncertain significance for Juvenile polyposis syndrome. Last evaluated: 2023-09-26. Review status: criteria provided, single submitter. Criteria: Invitae Variant Classification Sherloc (09022015). Collection method: clinical testing. Allele origin: germline.
Comment: This variant has not been reported in the literature in individuals affected with SMAD4-related conditions. This variant is present in population databases (no rsID available, gnomAD 0.003%). This sequence change replaces proline, which is neutral and non-polar, with leucine, which is neutral and non-polar, at codon 514 of the SMAD4 protein (p.Pro514Leu). ClinVar contains an entry for this variant (Variation ID: 847904). In summary, the available evidence is currently insufficient to determine the role of this variant in disease. Therefore, it has been classified as a Variant of Uncertain Significance. An algorithm developed to predict the effect of missense changes on protein structure and function (PolyPhen-2) suggests that this variant is likely to be disruptive.

Baylor Genetics
Classification: Uncertain significance for Juvenile polyposis/hereditary hemorrhagic telangiectasia syndrome. Last evaluated: 2023-07-03. Review status: criteria provided, single submitter. Criteria: ACMG Guidelines, 2015. Collection method: clinical testing. Allele origin: unknown.